The following is an entry in ClinVar:

ClinVar aggregate classification (germline): Uncertain significance (1 of 4 stars; one submission).

Conditions:
Supravalvar aortic stenosis (SVAS). Also called: Supravalvar aortic stenosis, Eisenberg type. Identifiers: Orphanet 3193, MedGen C0003499, MONDO:0008504, OMIM 185500, HP:0004381.

Allele frequency attached by ClinVar (database versions not stated): ExAC 0.00002.
gnomAD v4.1: 9 of 1,614,224 alleles (0.00056%); highest among the groups gnomAD compares: South Asian, 0.0011%; no homozygotes.

Submission:

Labcorp Genetics (formerly Invitae), Labcorp
Classification: Uncertain significance for Supravalvar aortic stenosis. Last evaluated: 2024-10-17. Review status: criteria provided, single submitter. Criteria: Invitae Variant Classification Sherloc (09022015). Collection method: clinical testing. Allele origin: germline.
Comment: This sequence change replaces glycine, which is neutral and non-polar, with aspartic acid, which is acidic and polar, at codon 183 of the ELN protein (p.Gly183Asp). This variant is present in population databases (rs782189638, gnomAD 0.002%). This variant has not been reported in the literature in individuals affected with ELN-related conditions. ClinVar contains an entry for this variant (Variation ID: 1898212). Invitae Evidence Modeling of protein sequence and biophysical properties (such as structural, functional, and spatial information, amino acid conservation, physicochemical variation, residue mobility, and thermodynamic stability) indicates that this missense variant is not expected to disrupt ELN protein function with a negative predictive value of 80%. In summary, the available evidence is currently insufficient to determine the role of this variant in disease. Therefore, it has been classified as a Variant of Uncertain Significance.

NM_000501.4(ELN):c.548G>A (p.Gly183Asp)

Gene: ELN (elastin; plus strand). Cytogenetic location: 7q11.23.
Variant type: single nucleotide variant.
Coding change: c.548G>A on transcript NM_000501.4 (MANE Select); coding-DNA position 548, G replaced by A.
Protein change: p.Gly183Asp; replaces glycine 183 with aspartic acid.
Molecular consequence: missense variant. On other transcripts: intron variant (2).
Genome position (GRCh38, 1-based): chr7:74,046,194, G>A. VCF-style: chr7-74046194-G-A. GRCh37 (hg19) VCF-style: chr7-73460524-G-A.
Other names: c.518G>A, p.Gly173Asp (NM_001081752.3, NM_001278917.2); c.563G>A, p.Gly188Asp (NM_001081753.3, NM_001081754.3); c.548G>A, p.Gly183Asp (NM_001081755.3, NM_001278912.2, NM_001278915.2 and 2 more transcripts); c.533G>A, p.Gly178Asp (NM_001278914.2); c.506-502G>A (NM_001278913.2); c.440-502G>A (NM_001278918.2); short protein forms G188D, G183D, G173D, G178D.
Identifiers: ClinVar variation 1898212 (VCV001898212.5), dbSNP rs782189638, ClinGen allele CA4292549.